The following is an entry in ClinVar:

NM_000123.4(ERCC5):c.881-26T>G

Genes: BIVM-ERCC5 (BIVM-ERCC5 readthrough; plus strand), ERCC5 (ERCC excision repair 5, endonuclease; plus strand). Cytogenetic location: 13q33.1.
Variant type: single nucleotide variant.
Coding change: c.881-26T>G on transcript NM_000123.4 (MANE Select); 26 bases into the intron before coding-DNA position 881, T replaced by G.
Molecular consequence: intron variant.
Genome position (GRCh38, 1-based): chr13:102,862,004, T>G. VCF-style: chr13-102862004-T-G. GRCh37 (hg19) VCF-style: chr13-103514354-T-G.
Other names: c.2243-26T>G (NM_001204425.2).
Identifiers: ClinVar variation 2501033 (VCV002501033.4), dbSNP rs2501565026, ClinGen allele CA2580616534.
Genomic context (GRCh38, chr13:102,862,004, plus strand): 5'-AACCAGTGTTCTCTTATCCATCTTACTAGAAGCGTATTGTCACACTGTAAAACTGAATGG[T>G]GAGAAGTGTTTTAATTCTTCTTAAGGTATTCAAGCTAAGACAGTTGCAGAAGTGGATTCA-3'

ClinVar aggregate classification (germline): Conflicting classifications of pathogenicity. Review status: criteria provided, conflicting classifications (1 of 4 stars). 4 submissions from 4 submitters: Likely pathogenic (1); Uncertain significance (3). Last evaluated 2025-09-24.

Allele frequency attached by ClinVar (database versions not stated): gnomAD exomes below 0.00001.
gnomAD v4.1: 2 of 1,613,188 alleles (0.00012%); highest among the groups gnomAD compares: Non-Finnish European, 0.00017%; no homozygotes.

Submissions (4):

Labcorp Genetics (formerly Invitae), Labcorp
Classification: Likely pathogenic. Last evaluated: 2025-09-24. Review status: criteria provided, single submitter. Criteria: Invitae Variant Classification Sherloc (09022015). Collection method: clinical testing. Allele origin: germline.
Comment: This sequence change falls in intron 7 of the ERCC5 gene. It does not directly change the encoded amino acid sequence of the ERCC5 protein. This variant is not present in population databases (gnomAD no frequency). This variant has been observed in individual(s) with ERCC5-related conditions (PMID: 29749609). In at least one individual the data is consistent with being in trans (on the opposite chromosome) from a pathogenic variant. ClinVar contains an entry for this variant (Variation ID: 2501033). Algorithms developed to predict the effect of sequence changes on RNA splicing suggest that this variant may disrupt the consensus splice site. In summary, the currently available evidence indicates that the variant is pathogenic, but additional data are needed to prove that conclusively. Therefore, this variant has been classified as Likely Pathogenic.

GeneDx
Classification: Uncertain significance. Last evaluated: 2024-10-30. Review status: criteria provided, single submitter. Criteria: GeneDx Variant Classification Process June 2021. Collection method: clinical testing. Allele origin: germline. Affected: yes.
Comment: Not observed at significant frequency in large population cohorts (gnomAD); In silico analysis is inconclusive as to whether the variant alters gene splicing. In the absence of RNA/functional studies, the actual effect of this sequence change is unknown.; This variant is associated with the following publications: (PMID: 29749609)

Blueprint Genetics
Classification: Uncertain significance. Last evaluated: 2024-07-08. Review status: criteria provided, single submitter. Criteria: ACMG Guidelines, 2015. Collection method: clinical testing. Allele origin: germline.

Women's Health and Genetics/Laboratory Corporation of America, LabCorp
Classification: Uncertain significance. Last evaluated: 2023-03-10. Review status: criteria provided, single submitter. Criteria: LabCorp Variant Classification Summary - May 2015. Collection method: clinical testing. Allele origin: germline.
Comment: Variant summary: ERCC5 c.881-26T>G is located at a position not widely known to affect splicing. Several computational tools predict a significant impact on normal splicing: Three predict the variant creates a 5 cryptic donor site. In addition, one publication predicted this variant results in deletion of the first 55 nucleotides of exon 8 (r.881_935del, Gly294Alafs*10) (Ricotti_2018). The variant was absent in 250270 control chromosomes (gnomAD). c.881-26T>G has been reported in the literature in an individual affected with severe Cockayne Syndrome type II on the Xeroderma Pigmentosum spectrum (Ricotti_2018). This paper reports the variant in a compound heterozygous individual carrying an additional truncating variant c.2752insA (p.Leu918Ilefs*12) in trans. Patients cells carrying both variants showed reduced mRNA expression, no detectable XPG product, drastically reduced RRS and UDS levels, suggesting complete loss of protein function. No clinical diagnostic laboratories have submitted clinical-significance assessments for this variant to ClinVar after 2014. Based on the evidence outlined above, the variant was classified as VUS-possibly pathogenic.

Literature cited by the submitters: PubMed 29749609 (cited by Labcorp Genetics (formerly Invitae), Labcorp and Women's Health and Genetics/Laboratory Corporation of America, LabCorp).